The following is an entry in ClinVar:

NM_001127222.2(CACNA1A):c.539+8G>A

Gene: CACNA1A (calcium voltage-gated channel subunit alpha1 A; minus strand). Cytogenetic location: 19p13.13.
Variant type: single nucleotide variant.
Coding change: c.539+8G>A on transcript NM_001127222.2 (MANE Select); 8 bases into the intron after coding-DNA position 539, G replaced by A.
Molecular consequence: intron variant.
Genome position (GRCh38, 1-based): chr19:13,452,868, C>T on the plus strand (G>A on the coding strand, the complement: CACNA1A is on the minus strand). VCF-style: chr19-13452868-C-T. GRCh37 (hg19) VCF-style: chr19-13563682-C-T.
Other names: c.539+8G>A (NM_001127221.2, NM_001174080.2, NM_000068.4 and 1 more transcripts).
Identifiers: ClinVar variation 506873 (VCV000506873.5), dbSNP rs372925573, ClinGen allele CA9241022.

ClinVar aggregate classification (germline): Likely benign. Review status: criteria provided, multiple submitters, no conflicts (2 of 4 stars). 3 submissions from 3 submitters: Likely benign (3). Last evaluated 2023-09-04.

Conditions:
Episodic ataxia type 2 (EA2). Also called: EPISODIC ATAXIA, NYSTAGMUS-ASSOCIATED; ATAXIA, EPISODIC, WITH NYSTAGMUS; ATAXIA, FAMILIAL PAROXYSMAL; CEREBELLAR ATAXIA, PAROXYSMAL, ACETAZOLAMIDE-RESPONSIVE; CEREBELLOPATHY, HEREDITARY PAROXYSMAL; ACETAZOLAMIDE-RESPONSIVE HEREDITARY PAROXYSMAL CEREBELLAR ATAXIA. Identifiers: Orphanet 97, MedGen C1720416, MONDO:0007163, OMIM 108500.
Developmental and epileptic encephalopathy, 42 (DEE42A). Also called: Epileptic encephalopathy, early infantile, 42; DEVELOPMENTAL AND EPILEPTIC ENCEPHALOPATHY 42A; EPILEPTIC ENCEPHALOPATHY, EARLY INFANTILE, 42A. Identifiers: MedGen C4310716, MONDO:0014917, OMIM 617106.

Allele frequency attached by ClinVar (database versions not stated): ExAC 0.00001; ESP Exome Variant Server 0.00008.
gnomAD v4.1: 3 of 1,613,264 alleles (0.00019%); highest among the groups gnomAD compares: Non-Finnish European, 0.00025%; no homozygotes.

Submissions (3):

Labcorp Genetics (formerly Invitae), Labcorp
Classification: Likely benign for Developmental and epileptic encephalopathy, 42; Episodic ataxia type 2. Last evaluated: 2023-09-04. Review status: criteria provided, single submitter. Criteria: Invitae Variant Classification Sherloc (09022015). Collection method: clinical testing. Allele origin: germline.

Blueprint Genetics
Classification: Likely benign. Last evaluated: 2020-04-06. Review status: criteria provided, single submitter. Criteria: ACMG Guidelines, 2015. Collection method: clinical testing. Allele origin: germline.

GeneDx
Classification: Likely benign. Last evaluated: 2017-01-20. Review status: criteria provided, single submitter. Criteria: GeneDx Variant Classification (06012015). Collection method: clinical testing. Allele origin: germline. Affected: yes.
Comment: This variant is considered likely benign or benign based on one or more of the following criteria: it is a conservative change, it occurs at a poorly conserved position in the protein, it is predicted to be benign by multiple in silico algorithms, and/or has population frequency not consistent with disease.